The following is an entry in ClinVar:

ClinVar aggregate classification (germline): Pathogenic. Review status: criteria provided, multiple submitters, no conflicts (2 of 4 stars). 3 submissions from 3 submitters: Pathogenic (3). Last evaluated 2023-08-08.

Conditions:
Duchenne muscular dystrophy (DMD). Also called: Duchenne Muscular Dystrophy (DMD); MUSCULAR DYSTROPHY, PSEUDOHYPERTROPHIC PROGRESSIVE, DUCHENNE TYPE. Identifiers: Orphanet 98896, MedGen C0013264, MONDO:0010679, OMIM 310200.

Submissions (3):

Labcorp Genetics (formerly Invitae), Labcorp
Classification: Pathogenic for Duchenne muscular dystrophy. Last evaluated: 2023-08-08. Review status: criteria provided, single submitter. Criteria: Invitae Variant Classification Sherloc (09022015). Collection method: clinical testing. Allele origin: germline.
Comment: This sequence change creates a premature translational stop signal (p.Ser429*) in the DMD gene. It is expected to result in an absent or disrupted protein product. Loss-of-function variants in DMD are known to be pathogenic (PMID: 16770791, 25007885). This variant is not present in population databases (gnomAD no frequency). This premature translational stop signal has been observed in individual(s) with Duchenne muscular dystrophy (PMID: 19937601). ClinVar contains an entry for this variant (Variation ID: 94455). For these reasons, this variant has been classified as Pathogenic.

Revvity Omics, Revvity
Classification: Pathogenic. Last evaluated: 2023-06-19. Review status: criteria provided, single submitter. Criteria: ACMG Guidelines, 2015. Collection method: clinical testing. Allele origin: germline.

Eurofins Ntd Llc (ga)
Classification: Pathogenic. Last evaluated: 2017-03-27. Review status: criteria provided, single submitter. Criteria: EGL Classification Definitions 2015. Collection method: clinical testing. Allele origin: germline. Observed: 2 variant alleles, 2 hemizygotes.

Literature cited by the submitters: PubMed 16770791 (cited by Labcorp Genetics (formerly Invitae), Labcorp); PubMed 25007885 (cited by Labcorp Genetics (formerly Invitae), Labcorp); PubMed 19937601 (cited by Labcorp Genetics (formerly Invitae), Labcorp).

NM_004006.3(DMD):c.1286C>A (p.Ser429Ter)

Gene: DMD (dystrophin; minus strand). Cytogenetic location: Xp21.1.
Variant type: single nucleotide variant.
Coding change: c.1286C>A on transcript NM_004006.3 (MANE Select); coding-DNA position 1286, C replaced by A.
Protein change: p.Ser429Ter; replaces serine 429 with a stop codon.
Molecular consequence: nonsense.
Genome position (GRCh38, 1-based): chrX:32,644,177, G>T on the plus strand (C>A on the coding strand, the complement: DMD is on the minus strand). VCF-style: chrX-32644177-G-T. GRCh37 (hg19) VCF-style: chrX-32662294-G-T.
Other names: NP_003997.1:p.Ser429*; c.1262C>A, p.Ser421Ter (NM_000109.4); c.1274C>A, p.Ser425Ter (NM_004009.3); c.917C>A, p.Ser306Ter (NM_004010.3); short protein forms S429*, S306*, S421*, S425*.
Identifiers: ClinVar variation 94455 (VCV000094455.12), dbSNP rs398123853, ClinGen allele CA266879.